The following is an entry in ClinVar:

ClinVar aggregate classification (germline): Uncertain significance (1 of 4 stars; one submission).

Submission:

GeneDx
Classification: Uncertain significance. Last evaluated: 2023-01-19. Review status: criteria provided, single submitter. Criteria: GeneDx Variant Classification Process June 2021. Collection method: clinical testing. Allele origin: germline. Affected: yes.
Comment: Not observed at significant frequency in large population cohorts (gnomAD); In silico analysis supports that this missense variant does not alter protein structure/function; Has not been previously published as pathogenic or benign to our knowledge

NM_000238.4(KCNH2):c.687G>T (p.Glu229Asp)

Gene: KCNH2 (potassium voltage-gated channel subfamily H member 2; minus strand). Cytogenetic location: 7q36.1.
Variant type: single nucleotide variant.
Coding change: c.687G>T on transcript NM_000238.4 (MANE Select); coding-DNA position 687, G replaced by T.
Protein change: p.Glu229Asp; replaces glutamic acid 229 with aspartic acid.
Molecular consequence: missense variant. On other transcripts: non-coding transcript variant (1).
Genome position (GRCh38, 1-based): chr7:150,958,288, C>A on the plus strand (G>T on the coding strand, the complement: KCNH2 is on the minus strand). VCF-style: chr7-150958288-C-A. GRCh37 (hg19) VCF-style: chr7-150655376-C-A.
Other names: c.399G>T, p.Glu133Asp (NM_001406753.1, NM_001406756.1); c.510G>T, p.Glu170Asp (NM_001406755.1); c.387G>T, p.Glu129Asp (NM_001406757.1); c.687G>T, p.Glu229Asp (NM_172056.3); short protein forms E129D, E133D, E170D, E229D.
Identifiers: ClinVar variation 2573775 (VCV002573775.1), dbSNP rs1801450853, ClinGen allele CA369862831.
Genomic context (GRCh38, chr7:150,958,288, plus strand): 5'-TGGGAGCTGGCCGGGCGCGCTGCGGGGCGGAGAGCCGGGACCCACCAGCGCACGCCGCTC[C>A]TCCGCGGGCCCGAGCCCTGCCACGTGGTTGTCCATGGCTGTCACTTCGTCCAGGGCCAGC-3'
Protein context (NP_000229.1, residues 219-239): DNHVAGLGPA[Glu229Asp]ERRALVGPGS